The following is an entry in ClinVar:

ClinVar aggregate classification (germline): Uncertain significance. Review status: criteria provided, multiple submitters, no conflicts (2 of 4 stars). 2 submissions from 2 submitters: Uncertain significance (2). Last evaluated 2023-07-03.

Conditions:
Inborn genetic diseases. Identifiers: MedGen C0950123, MeSH D030342.

Allele frequency attached by ClinVar (database versions not stated): gnomAD exomes below 0.00001.

Submissions (2):

Ambry Genetics
Classification: Uncertain significance for Inborn genetic diseases. Last evaluated: 2023-07-03. Review status: criteria provided, single submitter. Criteria: Ambry Variant Classification Scheme 2023. Collection method: clinical testing. Allele origin: germline.
Comment: The p.P321A variant (also known as c.961C>G), located in coding exon 9 of the MDH2 gene, results from a C to G substitution at nucleotide position 961. The proline at codon 321 is replaced by alanine, an amino acid with highly similar properties. This amino acid position is conserved. In addition, this alteration is predicted to be tolerated by in silico analysis. Since supporting evidence is limited at this time, the clinical significance of this alteration remains unclear.

Labcorp Genetics (formerly Invitae), Labcorp
Classification: Uncertain significance. Last evaluated: 2022-07-04. Review status: criteria provided, single submitter. Criteria: Invitae Variant Classification Sherloc (09022015). Collection method: clinical testing. Allele origin: germline.
Comment: This sequence change replaces proline, which is neutral and non-polar, with alanine, which is neutral and non-polar, at codon 321 of the MDH2 protein (p.Pro321Ala). This variant is not present in population databases (gnomAD no frequency). This variant has not been reported in the literature in individuals affected with MDH2-related conditions. Algorithms developed to predict the effect of missense changes on protein structure and function (SIFT, PolyPhen-2, Align-GVGD) all suggest that this variant is likely to be tolerated. In summary, the available evidence is currently insufficient to determine the role of this variant in disease. Therefore, it has been classified as a Variant of Uncertain Significance.

NM_005918.4(MDH2):c.961C>G (p.Pro321Ala)

Gene: MDH2 (malate dehydrogenase 2; plus strand). Cytogenetic location: 7q11.23.
Variant type: single nucleotide variant.
Coding change: c.961C>G on transcript NM_005918.4 (MANE Select); coding-DNA position 961, C replaced by G.
Protein change: p.Pro321Ala; replaces proline 321 with alanine.
Molecular consequence: missense variant.
Genome position (GRCh38, 1-based): chr7:76,066,354, C>G. VCF-style: chr7-76066354-C-G. GRCh37 (hg19) VCF-style: chr7-75695672-C-G.
Other names: c.835C>G, p.Pro279Ala (NM_001282403.2); c.640C>G, p.Pro214Ala (NM_001282404.2); c.961C>G (NM_005918.2); short protein forms P214A, P321A, P279A.
Identifiers: ClinVar variation 2014015 (VCV002014015.3), dbSNP rs2535875748, ClinGen allele CA367770014.